The following is an entry in ClinVar:

NM_003640.5(ELP1):c.3163A>C (p.Lys1055Gln)

Gene: ELP1 (elongator acetyltransferase complex subunit 1; minus strand). Cytogenetic location: 9q31.3.
Variant type: single nucleotide variant.
Coding change: c.3163A>C on transcript NM_003640.5 (MANE Select); coding-DNA position 3163, A replaced by C.
Protein change: p.Lys1055Gln; replaces lysine 1055 with glutamine.
Molecular consequence: missense variant.
Genome position (GRCh38, 1-based): chr9:108,889,391, T>G on the plus strand (A>C on the coding strand, the complement: ELP1 is on the minus strand). VCF-style: chr9-108889391-T-G. GRCh37 (hg19) VCF-style: chr9-111651671-T-G.
Other names: c.2821A>C, p.Lys941Gln (NM_001318360.2); c.2116A>C, p.Lys706Gln (NM_001330749.2); short protein forms K1055Q, K706Q, K941Q.
Identifiers: ClinVar variation 1799759 (VCV001799759.2), dbSNP rs2537875207, ClinGen allele CA374415040.

ClinVar aggregate classification (germline): Uncertain significance (1 of 4 stars; one submission).

Submission:

Ambry Genetics
Classification: Uncertain significance. Last evaluated: 2021-12-23. Review status: criteria provided, single submitter. Criteria: Ambry Variant Classification Scheme 2023. Collection method: clinical testing. Allele origin: germline.
Comment: The p.K1055Q variant (also known as c.3163A>C), located in coding exon 28 of the IKBKAP gene, results from an A to C substitution at nucleotide position 3163. The lysine at codon 1055 is replaced by glutamine, an amino acid with similar properties. This amino acid position is conserved. In addition, this alteration is predicted to be tolerated by in silico analysis. Since supporting evidence is limited at this time, the clinical significance of this alteration remains unclear.